The following is an entry in ClinVar:

ClinVar aggregate classification (germline): Likely pathogenic (1 of 4 stars; one submission).

Conditions:
Cornelia de Lange syndrome 5 (CDLS5). Also called: HDAC8-Related Cornelia de Lange Syndrome. Identifiers: Orphanet 199, MedGen C3550903, MONDO:0010471, OMIM 300882.

Submission:

New York Genome Center
Classification: Likely pathogenic for Cornelia de Lange syndrome 5. Last evaluated: 2024-03-22. Review status: criteria provided, single submitter. Criteria: NYGC Assertion Criteria 2020. Collection method: clinical testing. Allele origin: de novo. Affected: yes. Observed: 1 variant allele, 1 heterozygote.
Comment: The c.932C>A p.(Thr311Lys) variant identified in the HDAC8 gene has not previously been reported in the literature or public variant repositories (ClinVar and LOVD) and is absent from population databases (gnomAD v4.0.0, TOPMed Freeze 10, All of Us), suggesting it is not a common benign variant in the populations represented in those databases. The c.932C>A variant is located in exon 9 of this 11-exon gene and is predicted to replace an evolutionary conserved threonine amino acid with lysine (p.(Thr311Lys)). In silico predictions are in favor of a damaging effect for the p.(Thr311Lys) variant[REVEL = 0.784]; however, there are no functional studies to support or refute these predictions. Another variant at the same amino acid position, p.(Thr311Met), has been reported in the literature [PMID: 22885700, 25075551, 24403048, 30158690, 37377026, 37086723] and deposited in ClinVar [Variation ID: 39712] and is classified as pathogenic. Based on available evidence, the c.932C>A p.(Thr311Lys) variant identified in the HDAC8 gene is classified as Likely Pathogenic.

NM_018486.3(HDAC8):c.932C>A (p.Thr311Lys)

Gene: HDAC8 (histone deacetylase 8; minus strand). Cytogenetic location: Xq13.1.
Variant type: single nucleotide variant.
Coding change: c.932C>A on transcript NM_018486.3 (MANE Select); coding-DNA position 932, C replaced by A.
Protein change: p.Thr311Lys; replaces threonine 311 with lysine.
Molecular consequence: missense variant. On other transcripts: non-coding transcript variant (5), 3 prime UTR variant (1).
Genome position (GRCh38, 1-based): chrX:72,462,077, G>T on the plus strand (C>A on the coding strand, the complement: HDAC8 is on the minus strand). VCF-style: chrX-72462077-G-T. GRCh37 (hg19) VCF-style: chrX-71681927-G-T.
Other names: c.659C>A, p.Thr220Lys (NM_001166418.2, NM_001410728.1); c.932C>A, p.Thr311Lys (NM_001410725.1); c.854C>A, p.Thr285Lys (NM_001410727.1); c.*12C>A (NM_001410729.1); c.632C>A, p.Thr211Lys (NM_001441234.1); short protein forms T211K, T220K, T285K, T311K.
Identifiers: ClinVar variation 4888369 (VCV004888369.1).
Genomic context (GRCh38, chrX:72,462,077, plus strand): 5'-ATCTCAGAGGATAGTGTTTTCCCTAGGATGACCCCGGTCAAGTATGTCCAGCATCGAGCC[G>T]TGTTGGCAAGGTTATAGCCTCCTGTCTCCATCAAGAATTGTGAAGTTAGGAAAGAATAGT-3'
Protein context (NP_060956.1, residues 301-321): LGGGGYNLAN[Thr311Lys]ARCWTYLTGV